The following is an entry in ClinVar:

NM_005026.5(PIK3CD):c.1534C>T (p.Arg512Trp)

Gene: PIK3CD (phosphatidylinositol-4,5-bisphosphate 3-kinase catalytic subunit delta; plus strand). Cytogenetic location: 1p36.22.
Variant type: single nucleotide variant.
Coding change: c.1534C>T on transcript NM_005026.5 (MANE Select); coding-DNA position 1534, C replaced by T.
Protein change: p.Arg512Trp; replaces arginine 512 with tryptophan.
Molecular consequence: missense variant.
Genome position (GRCh38, 1-based): chr1:9,720,754, C>T. VCF-style: chr1-9720754-C-T. GRCh37 (hg19) VCF-style: chr1-9780812-C-T.
Other names: c.1531C>T, p.Arg511Trp (NM_001350234.2); c.1447C>T, p.Arg483Trp (NM_001350235.1); short protein forms R511W, R512W, R483W.
Identifiers: ClinVar variation 1347382 (VCV001347382.7), dbSNP rs765797019, ClinGen allele CA577258.

ClinVar aggregate classification (germline): Uncertain significance (1 of 4 stars; one submission).

Conditions:
Immunodeficiency 14 (IMD14A). Also called: ACTIVATED PI3K-DELTA SYNDROME 1; Activated PI3K Delta Syndrome Type 1 (APDS1); p110-DELTA-ACTIVATING MUTATION CAUSING SENESCENT T CELLS, LYMPHADENOPATHY, AND IMMUNODEFICIENCY; IMMUNODEFICIENCY 14A WITH LYMPHOPROLIFERATION, AUTOSOMAL DOMINANT. Identifiers: Orphanet 397596, Orphanet 693661, MedGen C5907821, MONDO:0014222, OMIM 615513.

Allele frequency attached by ClinVar (database versions not stated): ExAC 0.00004; gnomAD 0.00004 and 0.00003; TOPMed 0.00004; gnomAD exomes 0.00001 and 0.00003.
gnomAD v4.1: 19 of 1,612,628 alleles (0.0012%); highest among the groups gnomAD compares: East Asian, 0.011%; no homozygotes.

Submission:

Labcorp Genetics (formerly Invitae), Labcorp
Classification: Uncertain significance for Activated PI3K-delta syndrome. Last evaluated: 2022-08-24. Review status: criteria provided, single submitter. Criteria: Invitae Variant Classification Sherloc (09022015). Collection method: clinical testing. Allele origin: germline.
Comment: This sequence change replaces arginine, which is basic and polar, with tryptophan, which is neutral and slightly polar, at codon 512 of the PIK3CD protein (p.Arg512Trp). This variant is present in population databases (rs765797019, gnomAD 0.02%). This variant has not been reported in the literature in individuals affected with PIK3CD-related conditions. ClinVar contains an entry for this variant (Variation ID: 1347382). Algorithms developed to predict the effect of missense changes on protein structure and function are either unavailable or do not agree on the potential impact of this missense change (SIFT: "Deleterious"; PolyPhen-2: "Possibly Damaging"; Align-GVGD: "Class C0"). In summary, the available evidence is currently insufficient to determine the role of this variant in disease. Therefore, it has been classified as a Variant of Uncertain Significance.